The following is an entry in ClinVar:

ClinVar aggregate classification (germline): Pathogenic (1 of 4 stars; one submission).

Submission:

Labcorp Genetics (formerly Invitae), Labcorp
Classification: Pathogenic. Last evaluated: 2023-09-05. Review status: criteria provided, single submitter. Criteria: Invitae Variant Classification Sherloc (09022015). Collection method: clinical testing. Allele origin: germline.
Comment: For these reasons, this variant has been classified as Pathogenic. This variant has not been reported in the literature in individuals affected with GLE1-related conditions. This variant is not present in population databases (gnomAD no frequency). This sequence change creates a premature translational stop signal (p.Val53*) in the GLE1 gene. It is expected to result in an absent or disrupted protein product. Loss-of-function variants in GLE1 are known to be pathogenic (PMID: 18204449, 24243016, 27684565).

Literature cited by the submitters: PubMed 18204449; PubMed 24243016; PubMed 27684565.

NM_001003722.2(GLE1):c.157del (p.Val52_Val53insTer)

Gene: GLE1 (GLE1 RNA export mediator; plus strand). Cytogenetic location: 9q34.11.
Variant type: Deletion.
Coding change: c.157del on transcript NM_001003722.2 (MANE Select); coding-DNA position 157, one base deleted (G; older notation c.157delG).
Protein change: p.Val52_Val53insTer.
Molecular consequence: nonsense.
Genome position (GRCh38, 1-based): chr9:128,508,933, G deleted; the last of 2 consecutive G bases (chr9:128,508,932-128,508,933); deleting either gives the same sequence. VCF-style (leftmost placement, unchanged base first): chr9-128508931-TG-T. GRCh37 (hg19) VCF-style: chr9-131271210-TG-T.
Other names: c.157del, p.Val52_Val53insTer (NM_001411013.1, NM_001499.2).
Identifiers: ClinVar variation 2758223 (VCV002758223.3), dbSNP rs2540557182, ClinGen allele CA2691922602.